The following is an entry in ClinVar:

NM_004415.4(DSP):c.6852A>G (p.Arg2284=)

Gene: DSP (desmoplakin; plus strand). Cytogenetic location: 6p24.3.
Variant type: single nucleotide variant.
Coding change: c.6852A>G on transcript NM_004415.4 (MANE Select); coding-DNA position 6852, A replaced by G.
Protein change: p.Arg2284=; no amino-acid change (arginine 2284 retained).
Molecular consequence: synonymous variant.
Genome position (GRCh38, 1-based): chr6:7,584,114, A>G. VCF-style: chr6-7584114-A-G. GRCh37 (hg19) VCF-style: chr6-7584347-A-G.
Other names: c.5055A>G, p.Arg1685= (NM_001008844.3); c.5523A>G, p.Arg1841= (NM_001319034.2).
Identifiers: ClinVar variation 698929 (VCV000698929.15), dbSNP rs141148057, ClinGen allele CA048482.

ClinVar aggregate classification (germline): Likely benign. Review status: criteria provided, multiple submitters, no conflicts (2 of 4 stars). 4 submissions from 4 submitters: Likely benign (4). Last evaluated 2025-12-21.

Conditions:
Arrhythmogenic cardiomyopathy with wooly hair and keratoderma. Also called: PALMOPLANTAR KERATODERMA WITH LEFT VENTRICULAR CARDIOMYOPATHY AND WOOLLY HAIR; Dilated cardiomyopathy with woolly hair and keratoderma; Arrhythmogenic cardiomyopathy with woolly hair and keratoderma; Carvajal syndrome. Identifiers: Orphanet 65282, MedGen C1854063, MONDO:0011581, OMIM 605676.
Arrhythmogenic right ventricular dysplasia 8 (ARVD8). Also called: Arrhythmogenic Right Ventricular Dysplasia/Cardiomyopathy 8; ARRHYTHMOGENIC RIGHT VENTRICULAR DYSPLASIA, FAMILIAL, 8; ARRHYTHMOGENIC RIGHT VENTRICULAR CARDIOMYOPATHY 8. Identifiers: MedGen C1843896, MONDO:0011831, OMIM 607450.
Cardiovascular phenotype. Identifiers: MedGen CN230736.
Cardiomyopathy (CMYO). Also called: Cardiomyopathies. Identifiers: Orphanet 167848, MedGen C0878544, MONDO:0004994, HP:0001638. Inheritance: Various modes of inheritance.

Allele frequency attached by ClinVar (database versions not stated): gnomAD 0.00001; gnomAD exomes 0.00001 and 0.00003; TOPMed 0.00001; ExAC 0.00003; ESP Exome Variant Server 0.00015.
gnomAD v4.1: 21 of 1,614,032 alleles (0.0013%); highest among the groups gnomAD compares: Non-Finnish European, 0.0018%; no homozygotes.

Submissions (4):

Labcorp Genetics (formerly Invitae), Labcorp
Classification: Likely benign for Arrhythmogenic cardiomyopathy with wooly hair and keratoderma; Arrhythmogenic right ventricular dysplasia 8. Last evaluated: 2025-12-21. Review status: criteria provided, single submitter. Criteria: Invitae Variant Classification Sherloc (09022015). Collection method: clinical testing. Allele origin: germline.

All of Us Research Program, National Institutes of Health
Classification: Likely benign for Arrhythmogenic cardiomyopathy with wooly hair and keratoderma. Last evaluated: 2023-12-18. Review status: criteria provided, single submitter. Criteria: ACMG Guidelines, 2015. Collection method: clinical testing. Allele origin: germline. Inheritance: Autosomal dominant inheritance. Observed: 5 variant alleles, 5 heterozygotes.
Comment: This study involves interpretation of variants in research participants for the purpose of population health screening. Participant phenotype was not available at the time of variant classification. Additional details can be found in publication PMID: 35346344, PMCID: PMC8962531

Ambry Genetics
Classification: Likely benign for Cardiovascular phenotype. Last evaluated: 2023-12-03. Review status: criteria provided, single submitter. Criteria: Ambry Variant Classification Scheme 2023. Collection method: clinical testing. Allele origin: germline.

Color Diagnostics, LLC DBA Color Health
Classification: Likely benign for Cardiomyopathy. Last evaluated: 2018-12-03. Review status: criteria provided, single submitter. Criteria: ACMG Guidelines, 2015. Collection method: clinical testing. Allele origin: germline.